The following is an entry in ClinVar:

ClinVar aggregate classification (germline): Uncertain significance (1 of 4 stars; one submission).

Submission:

Labcorp Genetics (formerly Invitae), Labcorp
Classification: Uncertain significance. Last evaluated: 2024-02-29. Review status: criteria provided, single submitter. Criteria: Invitae Variant Classification Sherloc (09022015). Collection method: clinical testing. Allele origin: germline.
Comment: This sequence change replaces arginine, which is basic and polar, with leucine, which is neutral and non-polar, at codon 1788 of the DCHS1 protein (p.Arg1788Leu). This variant is not present in population databases (gnomAD no frequency). This variant has not been reported in the literature in individuals affected with DCHS1-related conditions. Advanced modeling of protein sequence and biophysical properties (such as structural, functional, and spatial information, amino acid conservation, physicochemical variation, residue mobility, and thermodynamic stability) performed at Invitae indicates that this missense variant is not expected to disrupt DCHS1 protein function with a negative predictive value of 80%. In summary, the available evidence is currently insufficient to determine the role of this variant in disease. Therefore, it has been classified as a Variant of Uncertain Significance.

NM_003737.4(DCHS1):c.5363G>T (p.Arg1788Leu)

Gene: DCHS1 (dachsous cadherin-related 1; minus strand). Cytogenetic location: 11p15.4.
Variant type: single nucleotide variant.
Coding change: c.5363G>T on transcript NM_003737.4 (MANE Select); coding-DNA position 5363, G replaced by T.
Protein change: p.Arg1788Leu; replaces arginine 1788 with leucine.
Molecular consequence: missense variant.
Genome position (GRCh38, 1-based): chr11:6,628,629, C>A on the plus strand (G>T on the coding strand, the complement: DCHS1 is on the minus strand). VCF-style: chr11-6628629-C-A. GRCh37 (hg19) VCF-style: chr11-6649860-C-A.
Other names: short protein forms R1788L.
Identifiers: ClinVar variation 3643768 (VCV003643768.2).